The following is an entry in ClinVar:

ClinVar aggregate classification (germline): Uncertain significance. Review status: criteria provided, multiple submitters, no conflicts (2 of 4 stars). 2 submissions from 2 submitters: Uncertain significance (2). Last evaluated 2023-11-20.

Conditions:
Catecholaminergic polymorphic ventricular tachycardia 1. Also called: VENTRICULAR TACHYCARDIA, STRESS-INDUCED POLYMORPHIC 1; VENTRICULAR TACHYCARDIA, CATECHOLAMINERGIC POLYMORPHIC, 1, WITH OR WITHOUT ATRIAL DYSFUNCTION AND/OR DILATED CARDIOMYOPATHY; RYR2-Related Catecholaminergic Polymorphic Ventricular Tachycardia. Identifiers: Orphanet 3286, MedGen C1631597, MONDO:0011484, OMIM 604772.
Catecholaminergic polymorphic ventricular tachycardia (CVPT). Also called: Catecholamine-induced polymorphic ventricular tachycardia. Identifiers: Orphanet 3286, MedGen C5574922, MONDO:0017990.

Allele frequency attached by ClinVar (database versions not stated): gnomAD exomes below 0.00001; TOPMed below 0.00001.
gnomAD v4.1: 2 of 1,597,892 alleles (0.00013%); no homozygotes.

Submissions (2):

All of Us Research Program, National Institutes of Health
Classification: Uncertain significance for Catecholaminergic polymorphic ventricular tachycardia. Last evaluated: 2023-11-20. Review status: criteria provided, single submitter. Criteria: ACMG Guidelines, 2015. Collection method: clinical testing. Allele origin: germline. Inheritance: Autosomal dominant inheritance. Observed: 1 variant allele, 1 heterozygote.
Comment: This variant causes a G to T nucleotide substitution at the +1 position of intron 72 of the RYR2 gene. Splice site prediction tools suggest that this variant may impact RNA splicing. To our knowledge, RNA studies have not been reported for this variant. This variant has not been reported in individuals affected with RYR2-related disorders in the literature. This variant has been identified in 1/237840 chromosomes in the general population by the Genome Aggregation Database (gnomAD). The available evidence is insufficient to determine the role of this variant in disease conclusively. Therefore, this variant is classified as a Variant of Uncertain Significance.

This study involves interpretation of variants in research participants for the purpose of population health screening. Participant phenotype was not available at the time of variant classification. Additional details can be found in publication PMID: 35346344, PMCID: PMC8962531

Labcorp Genetics (formerly Invitae), Labcorp
Classification: Uncertain significance for Catecholaminergic polymorphic ventricular tachycardia 1. Last evaluated: 2023-07-16. Review status: criteria provided, single submitter. Criteria: Invitae Variant Classification Sherloc (09022015). Collection method: clinical testing. Allele origin: germline.
Comment: This variant has not been reported in the literature in individuals affected with RYR2-related conditions. Algorithms developed to predict the effect of sequence changes on RNA splicing suggest that this variant may disrupt the consensus splice site. In summary, the available evidence is currently insufficient to determine the role of this variant in disease. Therefore, it has been classified as a Variant of Uncertain Significance. This variant is present in population databases (no rsID available, gnomAD 0.01%). This sequence change affects a donor splice site in intron 72 of the RYR2 gene. It is expected to disrupt RNA splicing. Variants that disrupt the donor or acceptor splice site typically lead to a loss of protein function (PMID: 16199547), however the current clinical and genetic evidence is not sufficient to establish whether loss-of-function variants in RYR2 cause disease.

Literature cited by the submitters: PubMed 16199547 (cited by Labcorp Genetics (formerly Invitae), Labcorp).

NM_001035.3(RYR2):c.10494+1G>T

Gene: RYR2 (ryanodine receptor 2; plus strand). Cytogenetic location: 1q43.
Variant type: single nucleotide variant.
Coding change: c.10494+1G>T on transcript NM_001035.3 (MANE Select); the canonical splice donor site of the intron after coding-DNA position 10494, G replaced by T.
Molecular consequence: splice donor variant.
Genome position (GRCh38, 1-based): chr1:237,717,369, G>T. VCF-style: chr1-237717369-G-T. GRCh37 (hg19) VCF-style: chr1-237880669-G-T.
Identifiers: ClinVar variation 2743953 (VCV002743953.4), dbSNP rs1206925688, ClinGen allele CA345414963.